The following is an entry in ClinVar:

NM_006393.3(NEBL):c.-47C>T

Gene: NEBL (nebulette; minus strand). Cytogenetic location: 10p12.31.
Variant type: single nucleotide variant.
Coding change: c.-47C>T on transcript NM_006393.3 (MANE Select); 47 bases upstream of the start codon, C replaced by T.
Molecular consequence: 5 prime UTR variant. On other transcripts: intron variant (9).
Genome position (GRCh38, 1-based): chr10:20,897,252, G>A on the plus strand (C>T on the coding strand, the complement: NEBL is on the minus strand). VCF-style: chr10-20897252-G-A. GRCh37 (hg19) VCF-style: chr10-21186181-G-A.
Other names: c.249+64420C>T (NM_001377326.1, NM_001377327.1, NM_001377328.1); c.357+64420C>T (NM_213569.2, NM_001173484.2, NM_001377322.1); c.300+64420C>T (NM_001377324.1); c.291+64420C>T (NM_001377325.1); c.309+64420C>T (NM_001377323.1).
Identifiers: ClinVar variation 378264 (VCV000378264.1), dbSNP rs368463931, ClinGen allele CA5433432.
Genomic context (GRCh38, chr10:20,897,252, plus strand): 5'-ACAGGGACCCTCATTTTTACCCTTTAAAATATTTATATTTTTAAAATTTACTCATGTGGC[G>A]TCCTTTTCCATACCACAGTGCCCTTGAGATGCTGACGTCTCTGGTGCTCTGGCAGAAATG-3'

ClinVar aggregate classification (germline): Benign (1 of 4 stars; one submission).

Allele frequency attached by ClinVar (database versions not stated): gnomAD exomes 0.00012; TOPMed 0.00040; ExAC 0.00010; gnomAD 0.00043 and 0.00047.
gnomAD v4.1: 199 of 1,532,308 alleles (0.013%); highest among the groups gnomAD compares: African/African-American, 0.15%; no homozygotes.

Submission:

GeneDx
Classification: Benign. Last evaluated: 2017-01-16. Review status: criteria provided, single submitter. Criteria: GeneDx Variant Classification (06012015). Collection method: clinical testing. Allele origin: germline. Affected: yes.
Comment: This variant is considered likely benign or benign based on one or more of the following criteria: it is a conservative change, it occurs at a poorly conserved position in the protein, it is predicted to be benign by multiple in silico algorithms, and/or has population frequency not consistent with disease.